The following is an entry in ClinVar:

ClinVar aggregate classification (germline): Likely benign. Review status: criteria provided, single submitter (1 of 4 stars). 2 submissions from 2 submitters: Likely benign (1). 1 of the submissions does not count toward it. Last evaluated 2025-12-28.

Conditions:
CREBBP-related disorder. Also called: CREBBP-related disorders; CREBBP-related condition.
Rubinstein-Taybi syndrome (RSTS). Identifiers: Orphanet 783, MedGen C0035934, MONDO:0019188.

Allele frequency attached by ClinVar (database versions not stated): ExAC 0.00002; gnomAD exomes 0.00002; TOPMed 0.00002; gnomAD 0.00003.
gnomAD v4.1: 27 of 1,613,880 alleles (0.0017%); highest among the groups gnomAD compares: South Asian, 0.0055%; no homozygotes.

Submissions (2):

Labcorp Genetics (formerly Invitae), Labcorp
Classification: Likely benign for Rubinstein-Taybi syndrome. Last evaluated: 2025-12-28. Review status: criteria provided, single submitter. Criteria: Invitae Variant Classification Sherloc (09022015). Collection method: clinical testing. Allele origin: germline.

PreventionGenetics, part of Exact Sciences
Classification: Uncertain significance for CREBBP-related condition. Last evaluated: 2024-08-20. Review status: no assertion criteria provided. Collection method: clinical testing. Allele origin: germline. Not counted in ClinVar's aggregate classification.
Comment: The CREBBP c.2783C>T variant is predicted to result in the amino acid substitution p.Pro928Leu. To our knowledge, this variant has not been reported in the literature. This variant is reported in 0.011% of alleles in individuals of East Asian descent in gnomAD. Although we suspect that this variant may be benign, at this time, the clinical significance of this variant is uncertain due to the absence of conclusive functional and genetic evidence.

NM_004380.3(CREBBP):c.2783C>T (p.Pro928Leu)

Gene: CREBBP (CREB binding lysine acetyltransferase; minus strand). Cytogenetic location: 16p13.3.
Variant type: single nucleotide variant.
Coding change: c.2783C>T on transcript NM_004380.3 (MANE Select); coding-DNA position 2783, C replaced by T.
Protein change: p.Pro928Leu; replaces proline 928 with leucine.
Molecular consequence: missense variant.
Genome position (GRCh38, 1-based): chr16:3,770,667, G>A on the plus strand (C>T on the coding strand, the complement: CREBBP is on the minus strand). VCF-style: chr16-3770667-G-A. GRCh37 (hg19) VCF-style: chr16-3820668-G-A.
Other names: c.2783C>T (NM_004380.2); c.2669C>T, p.Pro890Leu (NM_001079846.1); short protein forms P890L, P928L.
Identifiers: ClinVar variation 2414299 (VCV002414299.8), dbSNP rs768030911, ClinGen allele CA7870039.